The following is an entry in ClinVar:

NM_001710.6(CFB):c.866C>T (p.Ala289Val)

Gene: CFB (complement factor B; plus strand). Cytogenetic location: 6p21.33.
Variant type: single nucleotide variant.
Coding change: c.866C>T on transcript NM_001710.6 (MANE Select); coding-DNA position 866, C replaced by T.
Protein change: p.Ala289Val; replaces alanine 289 with valine.
Molecular consequence: missense variant.
Genome position (GRCh38, 1-based): chr6:31,948,050, C>T. VCF-style: chr6-31948050-C-T. GRCh37 (hg19) VCF-style: chr6-31915827-C-T.
Other names: c.866C>T (NM_001710.5); short protein forms A289V.
Identifiers: ClinVar variation 1521835 (VCV001521835.9), dbSNP rs140338493, ClinGen allele CA3728172.

ClinVar aggregate classification (germline): Uncertain significance. Review status: criteria provided, multiple submitters, no conflicts (2 of 4 stars). 2 submissions from 2 submitters: Uncertain significance (2). Last evaluated 2025-07-14.

Conditions:
Inborn genetic diseases. Identifiers: MedGen C0950123, MeSH D030342.

Allele frequency attached by ClinVar (database versions not stated): gnomAD exomes 0.00001; ExAC 0.00002; ESP Exome Variant Server 0.00008.
gnomAD v4.1: 10 of 1,614,098 alleles (0.00062%); highest among the groups gnomAD compares: Non-Finnish European, 0.00085%; no homozygotes.

Submissions (2):

Ambry Genetics
Classification: Uncertain significance for Inborn genetic diseases. Last evaluated: 2025-07-14. Review status: criteria provided, single submitter. Criteria: Ambry Variant Classification Scheme 2023. Collection method: clinical testing. Allele origin: germline.

Labcorp Genetics (formerly Invitae), Labcorp
Classification: Uncertain significance. Last evaluated: 2021-04-14. Review status: criteria provided, single submitter. Criteria: Invitae Variant Classification Sherloc (09022015). Collection method: clinical testing. Allele origin: germline.
Comment: This variant is present in population databases (rs140338493, ExAC 0.003%). This sequence change replaces alanine with valine at codon 289 of the CFB protein (p.Ala289Val). The alanine residue is highly conserved and there is a small physicochemical difference between alanine and valine. This variant has not been reported in the literature in individuals with CFB-related conditions. Algorithms developed to predict the effect of missense changes on protein structure and function are either unavailable or do not agree on the potential impact of this missense change (SIFT: "Deleterious"; PolyPhen-2: "Probably Damaging"; Align-GVGD: "Class C0"). In summary, the available evidence is currently insufficient to determine the role of this variant in disease. Therefore, it has been classified as a Variant of Uncertain Significance.